The following is an entry in ClinVar:

NM_000448.3(RAG1):c.920A>G (p.Asn307Ser)

Gene: RAG1 (recombination activating 1; plus strand). Cytogenetic location: 11p12.
Variant type: single nucleotide variant.
Coding change: c.920A>G on transcript NM_000448.3 (MANE Select); coding-DNA position 920, A replaced by G.
Protein change: p.Asn307Ser; replaces asparagine 307 with serine.
Molecular consequence: missense variant.
Genome position (GRCh38, 1-based): chr11:36,574,224, A>G. VCF-style: chr11-36574224-A-G. GRCh37 (hg19) VCF-style: chr11-36595774-A-G.
Other names: c.920A>G, p.Asn307Ser (NM_001377277.1, NM_001377278.1, NM_001377279.1 and 1 more transcripts); short protein forms N307S.
Identifiers: ClinVar variation 1900039 (VCV001900039.5), dbSNP rs1590702590, ClinGen allele CA380150613.

ClinVar aggregate classification (germline): Uncertain significance (1 of 4 stars; one submission).

Conditions:
Severe combined immunodeficiency, autosomal recessive, T cell-negative, B cell-negative, NK cell-positive. Also called: SCID, AR, T-cell negative, B-cell negative, NK cell-positive; SCID, T CELL-NEGATIVE, B CELL-NEGATIVE, NK CELL-POSITIVE; Severe combined immunodeficiency due to complete RAG1/2 deficiency. Identifiers: Orphanet 331206, MedGen C1832322, MONDO:0011086, OMIM 601457.
Combined immunodeficiency with skin granulomas. Identifiers: Orphanet 157949, MedGen C2673536, MONDO:0009306, OMIM 233650.

Submission:

Labcorp Genetics (formerly Invitae), Labcorp
Classification: Uncertain significance for Combined immunodeficiency with skin granulomas; Severe combined immunodeficiency, autosomal recessive, T cell-negative, B cell-negative, NK cell-positive. Last evaluated: 2022-04-07. Review status: criteria provided, single submitter. Criteria: Invitae Variant Classification Sherloc (09022015). Collection method: clinical testing. Allele origin: germline.
Comment: This variant is not present in population databases (gnomAD no frequency). This variant has not been reported in the literature in individuals affected with RAG1-related conditions. Advanced modeling of protein sequence and biophysical properties (such as structural, functional, and spatial information, amino acid conservation, physicochemical variation, residue mobility, and thermodynamic stability) performed at Invitae indicates that this missense variant is not expected to disrupt RAG1 protein function. In summary, the available evidence is currently insufficient to determine the role of this variant in disease. Therefore, it has been classified as a Variant of Uncertain Significance. This sequence change replaces asparagine, which is neutral and polar, with serine, which is neutral and polar, at codon 307 of the RAG1 protein (p.Asn307Ser).